The following is an entry in ClinVar:

NM_145178.4(ATOH7):c.436G>A (p.Glu146Lys)

Gene: ATOH7 (atonal bHLH transcription factor 7; minus strand). Cytogenetic location: 10q21.3.
Variant type: single nucleotide variant.
Coding change: c.436G>A on transcript NM_145178.4 (MANE Select); coding-DNA position 436, G replaced by A.
Protein change: p.Glu146Lys; replaces glutamic acid 146 with lysine.
Molecular consequence: missense variant.
Genome position (GRCh38, 1-based): chr10:68,231,242, C>T on the plus strand (G>A on the coding strand, the complement: ATOH7 is on the minus strand). VCF-style: chr10-68231242-C-T. GRCh37 (hg19) VCF-style: chr10-69990999-C-T.
Other names: short protein forms E146K.
Identifiers: ClinVar variation 1465923 (VCV001465923.4), dbSNP rs777498271, ClinGen allele CA5523314.

ClinVar aggregate classification (germline): Uncertain significance. Review status: criteria provided, multiple submitters, no conflicts (2 of 4 stars). 2 submissions from 2 submitters: Uncertain significance (2). Last evaluated 2023-09-05.

Allele frequency attached by ClinVar (database versions not stated): gnomAD 0.00001; TOPMed 0.00002; gnomAD exomes 0.00010.
gnomAD v4.1: 146 of 1,561,816 alleles (0.0093%); highest among the groups gnomAD compares: Non-Finnish European, 0.012%; no homozygotes.

Submissions (2):

Blueprint Genetics
Classification: Uncertain significance. Last evaluated: 2023-09-05. Review status: criteria provided, single submitter. Criteria: ACMG Guidelines, 2015. Collection method: clinical testing. Allele origin: germline.

Labcorp Genetics (formerly Invitae), Labcorp
Classification: Uncertain significance. Last evaluated: 2021-10-15. Review status: criteria provided, single submitter. Criteria: Invitae Variant Classification Sherloc (09022015). Collection method: clinical testing. Allele origin: germline.
Comment: This sequence change replaces glutamic acid with lysine at codon 146 of the ATOH7 protein (p.Glu146Lys). The glutamic acid residue is moderately conserved and there is a small physicochemical difference between glutamic acid and lysine. The frequency data for this variant in the population databases is considered unreliable, as metrics indicate poor data quality at this position in the ExAC database. This variant has not been reported in the literature in individuals affected with ATOH7-related conditions. Algorithms developed to predict the effect of missense changes on protein structure and function are either unavailable or do not agree on the potential impact of this missense change (SIFT: "Deleterious"; PolyPhen-2: "Possibly Damaging"; Align-GVGD: "Class C0"). In summary, the available evidence is currently insufficient to determine the role of this variant in disease. Therefore, it has been classified as a Variant of Uncertain Significance.